The following is an entry in ClinVar:

NM_000719.7(CACNA1C):c.91A>G (p.Asn31Asp)

Gene: CACNA1C (calcium voltage-gated channel subunit alpha1 C; plus strand). Cytogenetic location: 12p13.33.
Variant type: single nucleotide variant.
Coding change: c.91A>G on transcript NM_000719.7 (MANE Select); coding-DNA position 91, A replaced by G.
Protein change: p.Asn31Asp; replaces asparagine 31 with aspartic acid.
Molecular consequence: missense variant.
Genome position (GRCh38, 1-based): chr12:2,115,265, A>G. VCF-style: chr12-2115265-A-G. GRCh37 (hg19) VCF-style: chr12-2224431-A-G.
Other names: p.N31D:AAT>GAT; c.91A>G, p.Asn31Asp (NM_001129827.2, NM_001129829.2, NM_001129830.3 and 19 more transcripts); short protein forms N31D.
Identifiers: ClinVar variation 190678 (VCV000190678.10), dbSNP rs531598856, ClinGen allele CA301567.

ClinVar aggregate classification (germline): Conflicting classifications of pathogenicity. Review status: criteria provided, conflicting classifications (1 of 4 stars). 2 submissions from 2 submitters: Uncertain significance (1); Likely benign (1). Last evaluated 2025-02-05.

Conditions:
Long QT syndrome (LQTS). Identifiers: MedGen C0023976, MeSH D008133, MONDO:0002442. Disease mechanism: loss of function. Inheritance: Various modes of inheritance.

Allele frequency attached by ClinVar (database versions not stated): gnomAD exomes below 0.00001 and 0.00001; TOPMed below 0.00001; gnomAD 0.00001; ExAC 0.00005; 1000 Genomes Project 30x 0.00016; 1000 Genomes Project 0.00020.
gnomAD v4.1: 5 of 1,592,054 alleles (0.00031%); highest among the groups gnomAD compares: South Asian, 0.0057%; no homozygotes.

Submissions (2):

Labcorp Genetics (formerly Invitae), Labcorp
Classification: Likely benign for Long QT syndrome. Last evaluated: 2025-02-05. Review status: criteria provided, single submitter. Criteria: Invitae Variant Classification Sherloc (09022015). Collection method: clinical testing. Allele origin: germline.

GeneDx
Classification: Uncertain significance. Last evaluated: 2013-04-24. Review status: criteria provided, single submitter. Criteria: GeneDx Variant Classification (06012015). Collection method: clinical testing. Allele origin: germline. Affected: yes.
Comment: p.Asn31Asp (AAT>GAT): c.91 A>G in exon 2 of the CACNA1C gene (NM_000719.6). The Asn31Asp variant in the CACNA1C gene has not been reported as a disease-causing mutation or as a benign polymorphism to our knowledge. Asn31Asp was not observed in approximately 6000 individuals of European and African American ancestry in the NHLBI Exome Sequencing Project, indicating it is not a common benign variant in these populations. The Asn31Asp variant results in a semi-conservative amino acid substitution of a neutral Asparagine with a negatively-charged Aspartic acid at a position that is conserved across species. However, in silico analysis predicts Asn31Asp is benign to the protein structure/function. Mutations in nearby residues have not been reported, indicating this region of the protein may tolerate change. With the clinical and molecular information available at this time, we cannot definitively determine if Asn31Asp is a disease-causing mutation or a rare benign variant. The variant is found in LQT panel(s).